The following is an entry in ClinVar:

ClinVar aggregate classification (germline): Uncertain significance (1 of 4 stars; one submission).

Conditions:
Immunodeficiency 94 with autoinflammation and dysmorphic facies (IMD94). Identifiers: MedGen C5676918, MONDO:0030681, OMIM 619750.

Submission:

Laboratorio de Genetica e Diagnostico Molecular, Hospital Israelita Albert Einstein
Classification: Uncertain significance for Immunodeficiency 94 with autoinflammation and dysmorphic facies. Last evaluated: 2022-10-24. Review status: criteria provided, single submitter. Criteria: ACMG Guidelines, 2015. Collection method: clinical testing. Allele origin: germline. Affected: yes.
Comment: ACMG classification criteria: PM2 moderated, BP4 supporting

NM_002184.4(IL6ST):c.76G>A (p.Asp26Asn)

Gene: IL6ST (interleukin 6 cytokine family signal transducer; minus strand). Cytogenetic location: 5q11.2.
Variant type: single nucleotide variant.
Coding change: c.76G>A on transcript NM_002184.4 (MANE Select); coding-DNA position 76, G replaced by A.
Protein change: p.Asp26Asn; replaces aspartic acid 26 with asparagine.
Molecular consequence: missense variant. On other transcripts: 5 prime UTR variant (3), non-coding transcript variant (2).
Genome position (GRCh38, 1-based): chr5:55,969,844, C>T on the plus strand (G>A on the coding strand, the complement: IL6ST is on the minus strand). VCF-style: chr5-55969844-C-T. GRCh37 (hg19) VCF-style: chr5-55265672-C-T.
Other names: c.76G>A, p.Asp26Asn (NM_001190981.2, NM_001364275.2, NM_001364276.2 and 1 more transcripts); c.-717G>A (NM_001364277.2, NM_001364279.2); c.-707G>A (NM_001364278.2); short protein forms D26N.
Identifiers: ClinVar variation 2431701 (VCV002431701.2), dbSNP rs2533574302, ClinGen allele CA359771129.
Genomic context (GRCh38, chr5:55,969,844, plus strand): 5'-CAGTGAAATTAGAATGAAGTTGTACAACTGGAGATTCAGGACTGATATAACCACATGGAT[C>T]TAGAAGTTCACCTAAAAAGGAACAATAGAAAATATATAAATGGACTGAATTTTTCTGGTA-3'
Protein context (NP_002175.2, residues 16-36): LTTESTGELL[Asp26Asn]PCGYISPESP